The following is an entry in ClinVar:

ClinVar aggregate classification (germline): Likely benign (1 of 4 stars; one submission).

Conditions:
Cardiomyopathy (CMYO). Also called: Cardiomyopathies. Identifiers: Orphanet 167848, MedGen C0878544, MONDO:0004994, HP:0001638. Inheritance: Various modes of inheritance.

Submission:

All of Us Research Program, National Institutes of Health
Classification: Likely benign for Cardiomyopathy. Last evaluated: 2024-05-30. Review status: criteria provided, single submitter. Criteria: ACMG Guidelines, 2015. Collection method: clinical testing. Allele origin: germline. Inheritance: Autosomal dominant inheritance. Observed: 1 variant allele, 1 heterozygote.
Comment: This study involves interpretation of variants in research participants for the purpose of population health screening. Participant phenotype was not available at the time of variant classification. Additional details can be found in publication PMID: 35346344, PMCID: PMC8962531

NM_000257.4(MYH7):c.841A>C (p.Arg281=)

Gene: MYH7 (myosin heavy chain 7; minus strand). Cytogenetic location: 14q11.2.
Variant type: single nucleotide variant.
Coding change: c.841A>C on transcript NM_000257.4 (MANE Select); coding-DNA position 841, A replaced by C.
Protein change: p.Arg281=; no amino-acid change (arginine 281 retained).
Molecular consequence: synonymous variant.
Genome position (GRCh38, 1-based): chr14:23,430,955, T>G on the plus strand (A>C on the coding strand, the complement: MYH7 is on the minus strand). VCF-style: chr14-23430955-T-G. GRCh37 (hg19) VCF-style: chr14-23900164-T-G.
Other names: c.841A>C, p.Arg281= (NM_001407004.1).
Identifiers: ClinVar variation 3387354 (VCV003387354.1).